The following is an entry in ClinVar:

ClinVar aggregate classification (germline): Conflicting classifications of pathogenicity. Review status: criteria provided, conflicting classifications (1 of 4 stars). 2 submissions from 2 submitters: Uncertain significance (1); Likely benign (1). Last evaluated 2025-03-18.

Conditions:
ADCY10-related disorder. Also called: ADCY10-related condition.

Allele frequency attached by ClinVar (database versions not stated): TOPMed 0.00013; 1000 Genomes Project 0.00020; ESP Exome Variant Server 0.00023; ExAC 0.00029; 1000 Genomes Project 30x 0.00031.
gnomAD v4.1: 265 of 1,614,090 alleles (0.016%); highest among the groups gnomAD compares: South Asian, 0.13%; 4 homozygotes.

Submissions (2):

Labcorp Genetics (formerly Invitae), Labcorp
Classification: Uncertain significance. Last evaluated: 2025-03-18. Review status: criteria provided, single submitter. Criteria: Invitae Variant Classification Sherloc (09022015). Collection method: clinical testing. Allele origin: germline.
Comment: This sequence change replaces arginine, which is basic and polar, with tryptophan, which is neutral and slightly polar, at codon 874 of the ADCY10 protein (p.Arg874Trp). This variant is present in population databases (rs369190703, gnomAD 0.1%), and has an allele count higher than expected for a pathogenic variant. This variant has not been reported in the literature in individuals affected with ADCY10-related conditions. ClinVar contains an entry for this variant (Variation ID: 2913784). An algorithm developed to predict the effect of missense changes on protein structure and function (PolyPhen-2) suggests that this variant is likely to be disruptive. In summary, the available evidence is currently insufficient to determine the role of this variant in disease. Therefore, it has been classified as a Variant of Uncertain Significance.

PreventionGenetics, part of Exact Sciences
Classification: Likely benign for ADCY10-related condition. Last evaluated: 2024-12-11. Review status: criteria provided, single submitter. Criteria: ACMG Guidelines, 2015. Collection method: clinical testing. Allele origin: germline.
Comment: This variant is classified as likely benign based on ACMG/AMP sequence variant interpretation guidelines (Richards et al. 2015 PMID: 25741868, with internal and published modifications).

NM_018417.6(ADCY10):c.2620C>T (p.Arg874Trp)

Gene: ADCY10 (adenylate cyclase 10; minus strand). Cytogenetic location: 1q24.2.
Variant type: single nucleotide variant.
Coding change: c.2620C>T on transcript NM_018417.6 (MANE Select); coding-DNA position 2620, C replaced by T.
Protein change: p.Arg874Trp; replaces arginine 874 with tryptophan.
Molecular consequence: missense variant.
Genome position (GRCh38, 1-based): chr1:167,846,081, G>A on the plus strand (C>T on the coding strand, the complement: ADCY10 is on the minus strand). VCF-style: chr1-167846081-G-A. GRCh37 (hg19) VCF-style: chr1-167815319-G-A.
Other names: c.2161C>T, p.Arg721Trp (NM_001167749.3); c.2344C>T, p.Arg782Trp (NM_001297772.2); c.2620C>T (NM_018417.5); short protein forms R721W, R782W, R874W.
Identifiers: ClinVar variation 2913784 (VCV002913784.4), dbSNP rs369190703, ClinGen allele CA1227592.